The following is an entry in ClinVar:

NM_001184.4(ATR):c.3107T>C (p.Ile1036Thr)

Gene: ATR (ATR checkpoint kinase; minus strand). Cytogenetic location: 3q23.
Variant type: single nucleotide variant.
Coding change: c.3107T>C on transcript NM_001184.4 (MANE Select); coding-DNA position 3107, T replaced by C.
Protein change: p.Ile1036Thr; replaces isoleucine 1036 with threonine.
Molecular consequence: missense variant.
Genome position (GRCh38, 1-based): chr3:142,549,543, A>G on the plus strand (T>C on the coding strand, the complement: ATR is on the minus strand). VCF-style: chr3-142549543-A-G. GRCh37 (hg19) VCF-style: chr3-142268385-A-G.
Other names: c.2915T>C, p.Ile972Thr (NM_001354579.2); short protein forms I1036T, I972T.
Identifiers: ClinVar variation 1384519 (VCV001384519.6), dbSNP rs2108454819, ClinGen allele CA354812321.

ClinVar aggregate classification (germline): Uncertain significance (1 of 4 stars; one submission).

Allele frequency attached by ClinVar (database versions not stated): gnomAD exomes below 0.00001.
gnomAD v4.1: 1 of 1,611,714 alleles (0.000062%); highest among the groups gnomAD compares: Non-Finnish European, 0.000085%; no homozygotes.

Submission:

Labcorp Genetics (formerly Invitae), Labcorp
Classification: Uncertain significance. Last evaluated: 2024-09-23. Review status: criteria provided, single submitter. Criteria: Invitae Variant Classification Sherloc (09022015). Collection method: clinical testing. Allele origin: germline.
Comment: This sequence change replaces isoleucine, which is neutral and non-polar, with threonine, which is neutral and polar, at codon 1036 of the ATR protein (p.Ile1036Thr). This variant is not present in population databases (gnomAD no frequency). This variant has not been reported in the literature in individuals affected with ATR-related conditions. ClinVar contains an entry for this variant (Variation ID: 1384519). An algorithm developed to predict the effect of missense changes on protein structure and function (PolyPhen-2) suggests that this variant is likely to be disruptive. In summary, the available evidence is currently insufficient to determine the role of this variant in disease. Therefore, it has been classified as a Variant of Uncertain Significance.